The following is an entry in ClinVar:

ClinVar aggregate classification (germline): Uncertain significance. Review status: criteria provided, multiple submitters, no conflicts (2 of 4 stars). 3 submissions from 3 submitters: Uncertain significance (3). Last evaluated 2024-06-02.

Conditions:
Hereditary cancer-predisposing syndrome. Also called: Hereditary neoplastic syndrome; Tumor predisposition; Neoplastic Syndromes, Hereditary; Hereditary Cancer Syndrome. Identifiers: Orphanet 140162, MedGen C0027672, MeSH D009386, MONDO:0015356.

Allele frequency attached by ClinVar (database versions not stated): gnomAD exomes below 0.00001 and 0.00001; ExAC 0.00001; gnomAD 0.00001; TOPMed 0.00001.
gnomAD v4.1: 9 of 1,614,120 alleles (0.00056%); highest among the groups gnomAD compares: Admixed American, 0.0067%; no homozygotes.

Submissions (3):

Labcorp Genetics (formerly Invitae), Labcorp
Classification: Uncertain significance. Last evaluated: 2024-06-02. Review status: criteria provided, single submitter. Criteria: Invitae Variant Classification Sherloc (09022015). Collection method: clinical testing. Allele origin: germline.
Comment: This sequence change replaces aspartic acid, which is acidic and polar, with glycine, which is neutral and non-polar, at codon 245 of the XRCC2 protein (p.Asp245Gly). This variant is present in population databases (rs749779141, gnomAD 0.006%). This missense change has been observed in individual(s) with pancreatic adenocarcinoma (PMID: 28767289). ClinVar contains an entry for this variant (Variation ID: 418548). Advanced modeling of protein sequence and biophysical properties (such as structural, functional, and spatial information, amino acid conservation, physicochemical variation, residue mobility, and thermodynamic stability) performed at Invitae indicates that this missense variant is not expected to disrupt XRCC2 protein function with a negative predictive value of 80%. Algorithms developed to predict the effect of sequence changes on RNA splicing suggest that this variant may create or strengthen a splice site. In summary, the available evidence is currently insufficient to determine the role of this variant in disease. Therefore, it has been classified as a Variant of Uncertain Significance.

Ambry Genetics
Classification: Uncertain significance for Hereditary cancer-predisposing syndrome. Last evaluated: 2022-09-26. Review status: criteria provided, single submitter. Criteria: Ambry Variant Classification Scheme 2023. Collection method: clinical testing. Allele origin: germline.
Comment: The p.D245G variant (also known as c.734A>G), located in coding exon 3 of the XRCC2 gene, results from an A to G substitution at nucleotide position 734. The aspartic acid at codon 245 is replaced by glycine, an amino acid with similar properties. This amino acid position is not well conserved in available vertebrate species. In addition, this alteration is predicted to be tolerated by in silico analysis. Since supporting evidence is limited at this time, the clinical significance of this alteration remains unclear.

GeneDx
Classification: Uncertain significance. Last evaluated: 2016-07-22. Review status: criteria provided, single submitter. Criteria: GeneDx Variant Classification (06012015). Collection method: clinical testing. Allele origin: germline. Affected: yes.
Comment: This variant is denoted XRCC2 c.734A>G at the cDNA level, p.Asp245Gly (D245G) at the protein level, and results in the change of an Aspartic Acid to a Glycine (GAT>GGT). This variant has not, to our knowledge, been published in the literature as pathogenic or benign. XRCC2 Asp245Gly was not observed in approximately 6,500 individuals of European and African American ancestry in the NHLBI Exome Sequencing Project, suggesting it is not a common benign variant in these populations. Since Aspartic Acid and Glycine differ in polarity, charge, size or other properties, this is considered a non-conservative amino acid substitution. XRCC2 Asp245Gly occurs at a position that is not conserved and is located within ATPase domain (Kim 2011). In silico analyses are inconsistent regarding the effect this variant may have on protein structure and function. Splicing models suggest that this variant may result in the creation of a cryptic splice donor site. Based on currently available evidence, it is unclear whether XRCC2 Asp245Gly is a pathogenic or benign variant. We consider it to be a variant of uncertain significance.

Literature cited by the submitters: PubMed 28767289 (cited by Labcorp Genetics (formerly Invitae), Labcorp).

NM_005431.2(XRCC2):c.734A>G (p.Asp245Gly)

Gene: XRCC2 (X-ray repair cross complementing 2; minus strand). Cytogenetic location: 7q36.1.
Variant type: single nucleotide variant.
Coding change: c.734A>G on transcript NM_005431.2 (MANE Select); coding-DNA position 734, A replaced by G.
Protein change: p.Asp245Gly; replaces aspartic acid 245 with glycine.
Molecular consequence: missense variant.
Genome position (GRCh38, 1-based): chr7:152,648,751, T>C on the plus strand (A>G on the coding strand, the complement: XRCC2 is on the minus strand). VCF-style: chr7-152648751-T-C. GRCh37 (hg19) VCF-style: chr7-152345836-T-C.
Other names: short protein forms D245G.
Identifiers: ClinVar variation 418548 (VCV000418548.16), dbSNP rs749779141, ClinGen allele CA4582305.